The following is an entry in ClinVar:

NM_006790.3(MYOT):c.1409G>C (p.Gly470Ala)

Genes: PKD2L2-DT (PKD2L2 divergent transcript; minus strand), MYOT (myotilin; plus strand). Cytogenetic location: 5q31.2.
Variant type: single nucleotide variant.
Coding change: c.1409G>C on transcript NM_006790.3 (MANE Select); coding-DNA position 1409, G replaced by C.
Protein change: p.Gly470Ala; replaces glycine 470 with alanine.
Molecular consequence: missense variant.
Genome position (GRCh38, 1-based): chr5:137,887,297, G>C. VCF-style: chr5-137887297-G-C. GRCh37 (hg19) VCF-style: chr5-137222986-G-C.
Other names: c.857G>C, p.Gly286Ala (NM_001135940.2); c.1064G>C, p.Gly355Ala (NM_001300911.2); c.1409G>C (NM_006790.2); short protein forms G355A, G470A, G286A.
Identifiers: ClinVar variation 1382353 (VCV001382353.9), dbSNP rs149213350, ClinGen allele CA128108564.
Genomic context (GRCh38, chr5:137,887,297, plus strand): 5'-CTCCTAAGCAGTTACGGGTTCGACCAACATTCAGCAAATATTTAGCACTTAATGGGAAAG[G>C]TTTGAATGTAAAACAAGCTTTTAACCCAGAAGGAGAATTTCAGCGTTTGGCAGCTCAATC-3'
Protein context (NP_006781.1, residues 460-480): FSKYLALNGK[Gly470Ala]LNVKQAFNPE

ClinVar aggregate classification (germline): Uncertain significance. Review status: criteria provided, multiple submitters, no conflicts (2 of 4 stars). 2 submissions from 2 submitters: Uncertain significance (2). Last evaluated 2025-05-08.

Conditions:
Inborn genetic diseases. Identifiers: MedGen C0950123, MeSH D030342.
Myofibrillar myopathy 3 (MFM3). Also called: Muscular dystrophy, proximal, type 1A; Autosomal dominant spheroid body myopathy. Identifiers: Orphanet 266, Orphanet 268129, MedGen C3714934, MONDO:0012215, OMIM 609200.

gnomAD v4.1: 8 of 1,613,924 alleles (0.0005%); highest among the groups gnomAD compares: Non-Finnish European, 0.00068%; no homozygotes.

Submissions (2):

Labcorp Genetics (formerly Invitae), Labcorp
Classification: Uncertain significance for Myofibrillar myopathy 3. Last evaluated: 2025-05-08. Review status: criteria provided, single submitter. Criteria: Invitae Variant Classification Sherloc (09022015). Collection method: clinical testing. Allele origin: germline.
Comment: This sequence change replaces glycine, which is neutral and non-polar, with alanine, which is neutral and non-polar, at codon 470 of the MYOT protein (p.Gly470Ala). This variant is present in population databases (no rsID available, gnomAD 0.0009%). This variant has not been reported in the literature in individuals affected with MYOT-related conditions. ClinVar contains an entry for this variant (Variation ID: 1382353). An algorithm developed to predict the effect of missense changes on protein structure and function (PolyPhen-2) suggests that this variant is likely to be disruptive. In summary, the available evidence is currently insufficient to determine the role of this variant in disease. Therefore, it has been classified as a Variant of Uncertain Significance.

Ambry Genetics
Classification: Uncertain significance for Inborn genetic diseases. Last evaluated: 2022-05-11. Review status: criteria provided, single submitter. Criteria: Ambry Variant Classification Scheme 2023. Collection method: clinical testing. Allele origin: germline.